The following is an entry in ClinVar:

NM_152594.3(SPRED1):c.1232C>G (p.Ser411Cys)

Gene: SPRED1 (sprouty related EVH1 domain containing 1; plus strand). Cytogenetic location: 15q14.
Variant type: single nucleotide variant.
Coding change: c.1232C>G on transcript NM_152594.3 (MANE Select); coding-DNA position 1232, C replaced by G.
Protein change: p.Ser411Cys; replaces serine 411 with cysteine.
Molecular consequence: missense variant.
Genome position (GRCh38, 1-based): chr15:38,351,561, C>G. VCF-style: chr15-38351561-C-G. GRCh37 (hg19) VCF-style: chr15-38643762-C-G.
Other names: short protein forms S411C.
Identifiers: ClinVar variation 1755862 (VCV001755862.3), dbSNP rs2542744378, ClinGen allele CA391934641.

ClinVar aggregate classification (germline): Uncertain significance (1 of 4 stars; one submission).

Conditions:
Cardiovascular phenotype. Identifiers: MedGen CN230736.

Allele frequency attached by ClinVar (database versions not stated): gnomAD exomes below 0.00001.
gnomAD v4.1: 4 of 1,614,168 alleles (0.00025%); highest among the groups gnomAD compares: Non-Finnish European, 0.00025%; no homozygotes.

Submission:

Ambry Genetics
Classification: Uncertain significance for Cardiovascular phenotype. Last evaluated: 2024-11-27. Review status: criteria provided, single submitter. Criteria: Ambry Variant Classification Scheme 2023. Collection method: clinical testing. Allele origin: germline.
Comment: The p.S411C variant (also known as c.1232C>G), located in coding exon 7 of the SPRED1 gene, results from a C to G substitution at nucleotide position 1232. The serine at codon 411 is replaced by cysteine, an amino acid with dissimilar properties. This amino acid position is conserved. In addition, this alteration is predicted to be deleterious by in silico analysis. Since supporting evidence is limited at this time, the clinical significance of this alteration remains unclear.